The following is an entry in ClinVar:

NM_004004.6(GJB2):c.267C>G (p.Leu89=)

Gene: GJB2 (gap junction protein beta 2; minus strand). Cytogenetic location: 13q12.11.
Variant type: single nucleotide variant.
Coding change: c.267C>G on transcript NM_004004.6 (MANE Select); coding-DNA position 267, C replaced by G.
Protein change: p.Leu89=; no amino-acid change (leucine 89 retained).
Molecular consequence: synonymous variant.
Genome position (GRCh38, 1-based): chr13:20,189,315, G>C on the plus strand (C>G on the coding strand, the complement: GJB2 is on the minus strand). VCF-style: chr13-20189315-G-C. GRCh37 (hg19) VCF-style: chr13-20763454-G-C.
Identifiers: ClinVar variation 163516 (VCV000163516.16), dbSNP rs727503067, ClinGen allele CA176160.

ClinVar aggregate classification (germline): Likely benign. Review status: criteria provided, multiple submitters, no conflicts (2 of 4 stars). 4 submissions from 4 submitters: Likely benign (4). Last evaluated 2025-02-07.

Allele frequency attached by ClinVar (database versions not stated): TOPMed below 0.00001; gnomAD 0.00001.
gnomAD v4.1: 36 of 1,613,904 alleles (0.0022%); highest among the groups gnomAD compares: Non-Finnish European, 0.0029%; no homozygotes.

Submissions (4):

Women's Health and Genetics/Laboratory Corporation of America, LabCorp
Classification: Likely benign. Last evaluated: 2025-02-07. Review status: criteria provided, single submitter. Criteria: LabCorp Variant Classification Summary - May 2015. Collection method: clinical testing. Allele origin: germline.
Comment: Variant summary: GJB2 c.267C>G alters a non-conserved nucleotide resulting in a synonymous change. Consensus agreement among computation tools predict no significant impact on normal splicing. However, these predictions have yet to be confirmed by functional studies. The variant allele was found at a frequency of 4e-06 in 251286 control chromosomes (gnomAD). The available data on variant occurrences in the general population are insufficient to allow any conclusion about variant significance. c.267C>G has been reported in the literature in an individual affected with Non-Syndromic Hearing Loss who was also heterozygous with an in-frame deletion variant (Wattanasirichaigoon_2004). This report does not provide unequivocal conclusions about association of the variant with Non-Syndromic Hearing Loss. To our knowledge, no experimental evidence demonstrating an impact on protein function has been reported. The following publication has been ascertained in the context of this evaluation (PMID: 15479191). ClinVar contains an entry for this variant (Variation ID: 163516). Based on the evidence outlined above, the variant was classified as likely benign.

Blueprint Genetics
Classification: Likely benign. Last evaluated: 2024-09-05. Review status: criteria provided, single submitter. Criteria: ACMG Guidelines, 2015. Collection method: clinical testing. Allele origin: germline.

Labcorp Genetics (formerly Invitae), Labcorp
Classification: Likely benign. Last evaluated: 2024-02-25. Review status: criteria provided, single submitter. Criteria: Invitae Variant Classification Sherloc (09022015). Collection method: clinical testing. Allele origin: germline.

Laboratory for Molecular Medicine, Mass General Brigham Personalized Medicine
Classification: Likely benign. Last evaluated: 2013-12-24. Review status: criteria provided, single submitter. Criteria: LMM Criteria. Collection method: clinical testing. Allele origin: germline. Observed: 1 variant allele.
Comment: Leu89Leu in exon 2 of GJB2: This variant is not expected to have clinical signif icance because it does not alter an amino acid residue and is not located within the splice consensus sequence.

Literature cited by the submitters: PubMed 15479191 (cited by Women's Health and Genetics/Laboratory Corporation of America, LabCorp).